The following is an entry in ClinVar:

ClinVar aggregate classification (germline): Uncertain significance. Review status: criteria provided, multiple submitters, no conflicts (2 of 4 stars). 2 submissions from 2 submitters: Uncertain significance (2). Last evaluated 2025-12-17.

Conditions:
Cardiovascular phenotype. Identifiers: MedGen CN230736.
RASopathy. Also called: rasopathies; Noonan spectrum disorder. Identifiers: Orphanet 536391, MedGen C5555857, MONDO:0021060.

Allele frequency attached by ClinVar (database versions not stated): gnomAD exomes below 0.00001.

Submissions (2):

Labcorp Genetics (formerly Invitae), Labcorp
Classification: Uncertain significance for RASopathy. Last evaluated: 2025-12-17. Review status: criteria provided, single submitter. Criteria: Invitae Variant Classification Sherloc (09022015). Collection method: clinical testing. Allele origin: germline.
Comment: This sequence change replaces glycine, which is neutral and non-polar, with tryptophan, which is neutral and slightly polar, at codon 689 of the CBL protein (p.Gly689Trp). This variant is not present in population databases (gnomAD no frequency). This variant has not been reported in the literature in individuals affected with CBL-related conditions. ClinVar contains an entry for this variant (Variation ID: 2202315). Invitae Evidence Modeling of protein sequence and biophysical properties (such as structural, functional, and spatial information, amino acid conservation, physicochemical variation, residue mobility, and thermodynamic stability) indicates that this missense variant is not expected to disrupt CBL protein function with a negative predictive value of 95%. In summary, the available evidence is currently insufficient to determine the role of this variant in disease. Therefore, it has been classified as a Variant of Uncertain Significance.

Ambry Genetics
Classification: Uncertain significance for Cardiovascular phenotype. Last evaluated: 2025-10-05. Review status: criteria provided, single submitter. Criteria: Ambry Variant Classification Scheme 2023. Collection method: clinical testing. Allele origin: germline.
Comment: The p.G689W variant (also known as c.2065G>T), located in coding exon 13 of the CBL gene, results from a G to T substitution at nucleotide position 2065. The glycine at codon 689 is replaced by tryptophan, an amino acid with highly dissimilar properties. This amino acid position is conserved. In addition, the in silico prediction for this alteration is inconclusive. Based on the available evidence, the clinical significance of this variant remains unclear.

NM_005188.4(CBL):c.2065G>T (p.Gly689Trp)

Gene: CBL (Cbl proto-oncogene; plus strand). Cytogenetic location: 11q23.3.
Variant type: single nucleotide variant.
Coding change: c.2065G>T on transcript NM_005188.4 (MANE Select); coding-DNA position 2065, G replaced by T.
Protein change: p.Gly689Trp; replaces glycine 689 with tryptophan.
Molecular consequence: missense variant.
Genome position (GRCh38, 1-based): chr11:119,296,946, G>T. VCF-style: chr11-119296946-G-T. GRCh37 (hg19) VCF-style: chr11-119167656-G-T.
Other names: c.2065G>T (NM_005188.2); short protein forms G689W.
Identifiers: ClinVar variation 2202315 (VCV002202315.5), dbSNP rs2496971002, ClinGen allele CA382926598.